The following is an entry in ClinVar:

NM_001042492.3(NF1):c.6014A>T (p.Asp2005Val)

Gene: NF1 (neurofibromin 1; plus strand). Cytogenetic location: 17q11.2.
Variant type: single nucleotide variant.
Coding change: c.6014A>T on transcript NM_001042492.3 (MANE Select); coding-DNA position 6014, A replaced by T.
Protein change: p.Asp2005Val; replaces aspartic acid 2005 with valine.
Molecular consequence: missense variant.
Genome position (GRCh38, 1-based): chr17:31,336,340, A>T. VCF-style: chr17-31336340-A-T. GRCh37 (hg19) VCF-style: chr17-29663358-A-T.
Other names: c.5951A>T, p.Asp1984Val (NM_000267.4); short protein forms D1984V, D2005V.
Identifiers: ClinVar variation 1376501 (VCV001376501.8), dbSNP rs2151553171, ClinGen allele CA399011010.

ClinVar aggregate classification (germline): Uncertain significance (1 of 4 stars; one submission).

Conditions:
Neurofibromatosis, type 1 (NF1). Also called: VON RECKLINGHAUSEN DISEASE; Peripheral type neurofibromatosis; Neurofibromatosis, type I; NEUROFIBROMATOSIS, TYPE I, SOMATIC. Identifiers: Orphanet 636, MedGen C0027831, MONDO:0018975, OMIM 162200. Disease mechanism: loss of function.

Submission:

Labcorp Genetics (formerly Invitae), Labcorp
Classification: Uncertain significance for Neurofibromatosis, type 1. Last evaluated: 2021-04-01. Review status: criteria provided, single submitter. Criteria: Invitae Variant Classification Sherloc (09022015). Collection method: clinical testing. Allele origin: germline.
Comment: In summary, the available evidence is currently insufficient to determine the role of this variant in disease. Therefore, it has been classified as a Variant of Uncertain Significance. Advanced modeling of protein sequence and biophysical properties (such as structural, functional, and spatial information, amino acid conservation, physicochemical variation, residue mobility, and thermodynamic stability) performed at Invitae indicates that this missense variant is expected to disrupt NF1 protein function. This variant has not been reported in the literature in individuals with NF1-related conditions. This variant is not present in population databases (ExAC no frequency). This sequence change replaces aspartic acid with valine at codon 1984 of the NF1 protein (p.Asp1984Val). The aspartic acid residue is moderately conserved and there is a large physicochemical difference between aspartic acid and valine.